The following is an entry in ClinVar:

NM_001079872.2(CUL4B):c.777-3C>T

Gene: CUL4B (cullin 4B; minus strand). Cytogenetic location: Xq24.
Variant type: single nucleotide variant.
Coding change: c.777-3C>T on transcript NM_001079872.2 (MANE Select); 3 bases into the intron before coding-DNA position 777, C replaced by T.
Molecular consequence: intron variant.
Genome position (GRCh38, 1-based): chrX:120,546,619, G>A on the plus strand (C>T on the coding strand, the complement: CUL4B is on the minus strand). VCF-style: chrX-120546619-G-A. GRCh37 (hg19) VCF-style: chrX-119680474-G-A.
Other names: c.831-3C>T (NM_003588.4); c.792-3C>T (NM_001330624.2); c.243-3C>T (NM_001369145.1).
Identifiers: ClinVar variation 1319151 (VCV001319151.4), dbSNP rs1467629869, ClinGen allele CA644089558.

ClinVar aggregate classification (germline): Uncertain significance. Review status: criteria provided, multiple submitters, no conflicts (2 of 4 stars). 2 submissions from 2 submitters: Uncertain significance (2). Last evaluated 2025-03-05.

Conditions:
X-linked intellectual disability Cabezas type (MRXSC). Also called: Intellectual developmental disorder, X-linked syndromic, Cabezas type; MENTAL RETARDATION, X-LINKED, SYNDROMIC 15; CABEZAS SYNDROME. Identifiers: Orphanet 85289, Orphanet 85293, MedGen C1845861, MONDO:0010306, OMIM 300354.

Allele frequency attached by ClinVar (database versions not stated): gnomAD exomes 0.00001 and below 0.00001.
gnomAD v4.1: 1 of 1,165,321 alleles (0.000086%); highest among the groups gnomAD compares: Non-Finnish European, 0.00012%; no homozygotes.

Submissions (2):

Institute of Human Genetics, University of Leipzig Medical Center
Classification: Uncertain significance for X-linked intellectual disability Cabezas type. Last evaluated: 2025-03-05. Review status: criteria provided, single submitter. Criteria: ACMG Guidelines, 2015. Collection method: clinical testing. Allele origin: unknown. Inheritance: X-linked recessive inheritance. Affected: yes.
Comment: Criteria applied: PM2,PP3

Institute for Clinical Genetics, University Hospital TU Dresden, University Hospital TU Dresden
Classification: Uncertain significance. Last evaluated: 2021-11-03. Review status: criteria provided, single submitter. Criteria: ACMG Guidelines, 2015. Collection method: clinical testing. Allele origin: germline.